The following is an entry in ClinVar:

ClinVar aggregate classification (germline): Pathogenic/Likely pathogenic. Review status: criteria provided, multiple submitters, no conflicts (2 of 4 stars). 7 submissions from 7 submitters: Pathogenic (5); Likely pathogenic (2). Last evaluated 2025-12-29.

Conditions:
Mitochondrial complex I deficiency, nuclear type 4. Also called: Mitochondrial complex 1 deficiency, nuclear type 4. Identifiers: MedGen C4748753, MONDO:0032609, OMIM 618225.
Leigh syndrome (NULS). Also called: Leigh Disease; Subacute necrotizing encephalopathy; Necrotizing encephalopathy infantile subacute of Leigh; Leigh's syndrome; LEIGH SYNDROME, NUCLEAR; Leigh Syndrome (mtDNA deletion). Identifiers: Orphanet 506, MedGen C2931891, MONDO:0009723, OMIM 256000.

Allele frequency attached by ClinVar (database versions not stated): gnomAD 0.00002 and 0.00003; gnomAD exomes 0.00002 and 0.00003; TOPMed 0.00002; ExAC 0.00004.
gnomAD v4.1: 41 of 1,613,576 alleles (0.0025%); highest among the groups gnomAD compares: Admixed American, 0.005%; no homozygotes.

Submissions (7):

3billion
Classification: Pathogenic for Mitochondrial complex I deficiency, nuclear type 4. Last evaluated: 2025-12-29. Review status: criteria provided, single submitter. Criteria: ACMG Guidelines, 2015. Collection method: clinical testing. Allele origin: germline. Affected: yes.
Comment: The variant is observed at an extremely low frequency in the gnomAD v4.1.0 dataset (total allele frequency: 0.003%). Predicted Consequence/Location: Missense variant In silico tool predictions suggest damaging effect of the variant on gene or gene product [REVEL: 0.93 (>=0.6, sensitivity 0.68 and specificity 0.92); 3Cnet: 0.88 (> 0.75, sensitivity 0.96 and precision 0.92)]. The same nucleotide change resulting in the same amino acid change has been previously reported as pathogenic/likely pathogenic with strong evidence (ClinVar ID: VCV000214852 /PMID: 23596069). The variant has been reported to be in trans with a pathogenic variant as either compound heterozygous or homozygous in at least 2 similarly affected unrelated individuals (PMID: 25615419, 32445240, 35482023). Therefore, this variant is classified as Pathogenic according to the recommendation of ACMG/AMP guideline.

Labcorp Genetics (formerly Invitae), Labcorp
Classification: Pathogenic. Last evaluated: 2024-11-30. Review status: criteria provided, single submitter. Criteria: Invitae Variant Classification Sherloc (09022015). Collection method: clinical testing. Allele origin: germline.
Comment: This sequence change replaces proline, which is neutral and non-polar, with leucine, which is neutral and non-polar, at codon 122 of the NDUFV1 protein (p.Pro122Leu). This variant is present in population databases (rs750831299, gnomAD 0.006%). This missense change has been observed in individuals with mitochondrial complex I deficiency or Leigh syndrome (PMID: 23596069, 25615419, 32445240). It has also been observed to segregate with disease in related individuals. ClinVar contains an entry for this variant (Variation ID: 214852). Invitae Evidence Modeling of protein sequence and biophysical properties (such as structural, functional, and spatial information, amino acid conservation, physicochemical variation, residue mobility, and thermodynamic stability) indicates that this missense variant is expected to disrupt NDUFV1 protein function with a positive predictive value of 95%. For these reasons, this variant has been classified as Pathogenic.

GeneDx
Classification: Pathogenic. Last evaluated: 2024-09-23. Review status: criteria provided, single submitter. Criteria: GeneDx Variant Classification Process June 2021. Collection method: clinical testing. Allele origin: germline. Affected: yes.
Comment: Not observed at significant frequency in large population cohorts (gnomAD); In silico analysis supports that this missense variant has a deleterious effect on protein structure/function; This variant is associated with the following publications: (PMID: 25017538, 23623855, 25615419, 31292494, 30770271, 30055843, 32445240, 35598585, 36163075, 34052969, 38626668, 32342562, 35482023, 23596069)

Fulgent Genetics
Classification: Pathogenic for Mitochondrial complex I deficiency, nuclear type 4. Last evaluated: 2024-04-05. Review status: criteria provided, single submitter. Criteria: ACMG Guidelines, 2015. Collection method: clinical testing. Allele origin: germline.

Women's Health and Genetics/Laboratory Corporation of America, LabCorp
Classification: Pathogenic for Leigh syndrome. Last evaluated: 2024-04-04. Review status: criteria provided, single submitter. Criteria: LabCorp Variant Classification Summary - May 2015. Collection method: clinical testing. Allele origin: germline.
Comment: Variant summary: NDUFV1 c.365C>T (p.Pro122Leu) results in a non-conservative amino acid change located in the NADH-ubiquinone oxidoreductase 51kDa subunit, FMN-binding domain of the encoded protein sequence. Five of five in-silico tools predict a damaging effect of the variant on protein function. The variant allele was found at a frequency of 3.2e-05 in 250650 control chromosomes. c.365C>T has been reported in the literature as a biallelic genotype in multiple individuals affected with Leigh Syndrome (example, Bjorkman_2015, Lieber_2013, Alves_2020, Wu_2022, Gschwind_2022). The following publications have been ascertained in the context of this evaluation (PMID: 32445240, 25615419, 35482023, 23596069, 35598585). ClinVar contains an entry for this variant (Variation ID: 214852). Based on the evidence outlined above, the variant was classified as pathogenic.

Greenwood Genetic Center Diagnostic Laboratories, Greenwood Genetic Center
Classification: Likely pathogenic for Mitochondrial complex I deficiency, nuclear type 4. Last evaluated: 2024-03-14. Review status: criteria provided, single submitter. Criteria: ACMG Guidelines, 2015. Collection method: clinical testing. Allele origin: germline. Affected: yes.
Comment: PM2, PM3_Strong, PP3

Juno Genomics, Hangzhou Juno Genomics, Inc
Classification: Likely pathogenic for Mitochondrial complex I deficiency, nuclear type 4. Review status: criteria provided, single submitter. Criteria: ACMG Guidelines, 2015. Collection method: clinical testing. Allele origin: germline.
Comment: Absent from controls (or at extremely low frequency if recessive) in Genome Aggregation Database.;Multiple lines of computational evidence support a deleterious effect on the gene or gene product.;For recessive disorders, detected in trans with a pathogenic variant.;Co-segregation with disease in multiple affected family members.;Patient's phenotype or family history is highly specific for a disease with a single genetic etiology.

Literature cited by the submitters: PubMed 25615419 (cited by 3 submitters); PubMed 35482023 (cited by 3billion and Women's Health and Genetics/Laboratory Corporation of America, LabCorp); PubMed 23596069 (cited by 3 submitters); PubMed 32445240 (cited by 3 submitters); PubMed 35598585 (cited by Women's Health and Genetics/Laboratory Corporation of America, LabCorp).

NM_007103.4(NDUFV1):c.365C>T (p.Pro122Leu)

Gene: NDUFV1 (NADH:ubiquinone oxidoreductase core subunit V1; plus strand). Cytogenetic location: 11q13.2.
Variant type: single nucleotide variant.
Coding change: c.365C>T on transcript NM_007103.4 (MANE Select); coding-DNA position 365, C replaced by T.
Protein change: p.Pro122Leu; replaces proline 122 with leucine.
Molecular consequence: missense variant.
Genome position (GRCh38, 1-based): chr11:67,609,490, C>T. VCF-style: chr11-67609490-C-T. GRCh37 (hg19) VCF-style: chr11-67376961-C-T.
Other names: p.P122L:CCG>CTG; c.338C>T, p.Pro113Leu (NM_001166102.2); short protein forms P122L, P113L.
Identifiers: ClinVar variation 214852 (VCV000214852.18), dbSNP rs750831299, ClinGen allele CA321698.